The following is an entry in ClinVar:

NM_001142800.2(EYS):c.5534del (p.Ser1845fs)

Gene: EYS (EGF-like photoreceptor maintenance factor; minus strand). Cytogenetic location: 6q12.
Variant type: Deletion.
Coding change: c.5534del on transcript NM_001142800.2 (MANE Select); coding-DNA position 5534, one base deleted (G; older notation c.5534delG).
Protein change: p.Ser1845fs; shifts the reading frame from serine 1845.
Molecular consequence: frameshift variant.
Genome position (GRCh38, 1-based): chr6:64,590,333, C deleted on the plus strand (G on the coding strand, the reverse complement: EYS is on the minus strand). VCF-style (leftmost placement, unchanged base first): chr6-64590332-AC-A. GRCh37 (hg19) VCF-style: chr6-65300225-AC-A.
Other names: c.5534del, p.Ser1845fs (NM_001292009.2); short protein forms S1845fs.
Identifiers: ClinVar variation 2034538 (VCV002034538.4), dbSNP rs2470809460, ClinGen allele CA2580075649.
Genomic context (GRCh38, chr6:64,590,332, plus strand): 5'-AGTAAGAGATCTAGTGAAGGGAAGATGCCGGCTTGCAGTGGGAAATTCCTGATATTGCAC[AC>A]TAGGCTGAAGTTCCCATTTGGACCATTCTGAAGAAGTCTTGACCTCTTTTTTAAGAGAGG-3'

ClinVar aggregate classification (germline): Pathogenic (1 of 4 stars; one submission).

Submission:

Labcorp Genetics (formerly Invitae), Labcorp
Classification: Pathogenic. Last evaluated: 2022-10-07. Review status: criteria provided, single submitter. Criteria: Invitae Variant Classification Sherloc (09022015). Collection method: clinical testing. Allele origin: germline.
Comment: For these reasons, this variant has been classified as Pathogenic. This variant has not been reported in the literature in individuals affected with EYS-related conditions. This sequence change creates a premature translational stop signal (p.Ser1845Metfs*34) in the EYS gene. It is expected to result in an absent or disrupted protein product. Loss-of-function variants in EYS are known to be pathogenic (PMID: 18836446, 20333770). This variant is not present in population databases (gnomAD no frequency).

Literature cited by the submitters: PubMed 18836446; PubMed 20333770.